The following is an entry in ClinVar:

NM_213599.3(ANO5):c.1972G>A (p.Asp658Asn)

Gene: ANO5 (anoctamin 5; plus strand). Cytogenetic location: 11p14.3.
Variant type: single nucleotide variant.
Coding change: c.1972G>A on transcript NM_213599.3 (MANE Select); coding-DNA position 1972, G replaced by A.
Protein change: p.Asp658Asn; replaces aspartic acid 658 with asparagine.
Molecular consequence: missense variant.
Genome position (GRCh38, 1-based): chr11:22,270,385, G>A. VCF-style: chr11-22270385-G-A. GRCh37 (hg19) VCF-style: chr11-22291931-G-A.
Other names: c.1969G>A, p.Asp657Asn (NM_001142649.2); c.1972G>A (NM_213599.2); short protein forms D657N, D658N.
Identifiers: ClinVar variation 1468994 (VCV001468994.9), dbSNP rs1243399386, ClinGen allele CA379923379.
Genomic context (GRCh38, chr11:22,270,385, plus strand): 5'-TGGTGGAGACGCCGAAAAGCTCGGACAAACTCTGAGAAGCTGTATAGTCGATGGGAGCAG[G>A]ATCATGACCTTGAAAGTTTTGGACCCCTTGGGCTTTTCTATGAGTACTTAGAAACAGGTA-3'
Protein context (NP_998764.1, residues 648-668): SEKLYSRWEQ[Asp658Asn]HDLESFGPLG

ClinVar aggregate classification (germline): Uncertain significance. Review status: criteria provided, multiple submitters, no conflicts (2 of 4 stars). 2 submissions from 2 submitters: Uncertain significance (2). Last evaluated 2025-11-22.

Conditions:
Gnathodiaphyseal dysplasia (GDD). Also called: GNATHODIAPHYSEAL SCLEROSIS; OSTEOGENESIS IMPERFECTA WITH UNUSUAL SKELETAL LESIONS. Identifiers: Orphanet 53697, MedGen C1833736, MONDO:0008151, OMIM 166260.
Autosomal recessive limb-girdle muscular dystrophy type 2L (LGMDR12). Also called: Limb-girdle muscular dystrophy, type 2L; MUSCULAR DYSTROPHY, LIMB-GIRDLE, AUTOSOMAL RECESSIVE 12; Limb-Girdle Muscular Dystrophy R12 Anoctamin-5-Related (LGMD-R12). Identifiers: Orphanet 206549, MedGen C1969785, MONDO:0012652, OMIM 611307.

Allele frequency attached by ClinVar (database versions not stated): TOPMed below 0.00001.

Submissions (2):

Labcorp Genetics (formerly Invitae), Labcorp
Classification: Uncertain significance for Autosomal recessive limb-girdle muscular dystrophy type 2L; Gnathodiaphyseal dysplasia. Last evaluated: 2025-11-22. Review status: criteria provided, single submitter. Criteria: Invitae Variant Classification Sherloc (09022015). Collection method: clinical testing. Allele origin: germline.
Comment: This sequence change replaces aspartic acid, which is acidic and polar, with asparagine, which is neutral and polar, at codon 658 of the ANO5 protein (p.Asp658Asn). This variant is not present in population databases (gnomAD no frequency). This missense change has been observed in individual(s) with clinical features of limb-girdle muscular dystrophy (internal data). ClinVar contains an entry for this variant (Variation ID: 1468994). Invitae Evidence Modeling of protein sequence and biophysical properties (such as structural, functional, and spatial information, amino acid conservation, physicochemical variation, residue mobility, and thermodynamic stability) has been performed for this missense variant. However, the output from this modeling did not meet the statistical confidence thresholds required to predict the impact of this variant on ANO5 protein function. In summary, the available evidence is currently insufficient to determine the role of this variant in disease. Therefore, it has been classified as a Variant of Uncertain Significance.

Revvity Omics, Revvity
Classification: Uncertain significance. Last evaluated: 2025-02-05. Review status: criteria provided, single submitter. Criteria: ACMG Guidelines, 2015. Collection method: clinical testing. Allele origin: germline.